The following is an entry in ClinVar:

ClinVar aggregate classification (germline): Uncertain significance (1 of 4 stars; one submission).

gnomAD v4.1: 1 of 1,613,676 alleles (0.000062%); highest among the groups gnomAD compares: Non-Finnish European, 0.000085%; no homozygotes.

Submission:

Labcorp Genetics (formerly Invitae), Labcorp
Classification: Uncertain significance. Last evaluated: 2024-03-13. Review status: criteria provided, single submitter. Criteria: Invitae Variant Classification Sherloc (09022015). Collection method: clinical testing. Allele origin: germline.
Comment: This sequence change replaces asparagine, which is neutral and polar, with serine, which is neutral and polar, at codon 137 of the DCHS1 protein (p.Asn137Ser). This variant is not present in population databases (gnomAD no frequency). This variant has not been reported in the literature in individuals affected with DCHS1-related conditions. Advanced modeling of protein sequence and biophysical properties (such as structural, functional, and spatial information, amino acid conservation, physicochemical variation, residue mobility, and thermodynamic stability) performed at Invitae indicates that this missense variant is expected to disrupt DCHS1 protein function with a positive predictive value of 95%. In summary, the available evidence is currently insufficient to determine the role of this variant in disease. Therefore, it has been classified as a Variant of Uncertain Significance.

NM_003737.4(DCHS1):c.410A>G (p.Asn137Ser)

Gene: DCHS1 (dachsous cadherin-related 1; minus strand). Cytogenetic location: 11p15.4.
Variant type: single nucleotide variant.
Coding change: c.410A>G on transcript NM_003737.4 (MANE Select); coding-DNA position 410, A replaced by G.
Protein change: p.Asn137Ser; replaces asparagine 137 with serine.
Molecular consequence: missense variant.
Genome position (GRCh38, 1-based): chr11:6,641,204, T>C on the plus strand (A>G on the coding strand, the complement: DCHS1 is on the minus strand). VCF-style: chr11-6641204-T-C. GRCh37 (hg19) VCF-style: chr11-6662435-T-C.
Other names: short protein forms N137S.
Identifiers: ClinVar variation 3633245 (VCV003633245.2).
Genomic context (GRCh38, chr11:6,641,204, plus strand): 5'-GCTGTATGCTCAGGTACCTGCAGGGCAGCCCGAGCCTGTGGGAAGGCTGGAGCATGGTCG[T>C]TGATGTCAGCCACTCGCACTGTAACTTCTACGGTGGCACCATCAGGAGTGACTGCAGTGA-3'
Protein context (NP_003728.1, residues 127-147): VEVTVRVADI[Asn137Ser]DHAPAFPQAR